The following is an entry in ClinVar:

NM_005029.4(PITX3):c.234G>A (p.Glu78=)

Genes: GBF1 (golgi brefeldin A resistant guanine nucleotide exchange factor 1; plus strand), PITX3 (paired like homeodomain 3; minus strand). Cytogenetic location: 10q24.32.
Variant type: single nucleotide variant.
Coding change: c.234G>A on transcript NM_005029.4 (MANE Select); coding-DNA position 234, G replaced by A.
Protein change: p.Glu78=; no amino-acid change (glutamic acid 78 retained).
Molecular consequence: synonymous variant. On other transcripts: intron variant (2).
Genome position (GRCh38, 1-based): chr10:102,231,675, C>T on the plus strand (G>A on the coding strand, the complement: PITX3 is on the minus strand). VCF-style: chr10-102231675-C-T. GRCh37 (hg19) VCF-style: chr10-103991432-C-T.
Other names: c.-149+759C>T (NM_001391924.1); c.-11+759C>T (NM_001391923.1).
Identifiers: ClinVar variation 2640787 (VCV002640787.22), dbSNP rs1248201643, ClinGen allele CA471005685.

ClinVar aggregate classification (germline): Likely benign (1 of 4 stars; one submission).

Submission:

CeGaT Center for Human Genetics Tuebingen
Classification: Likely benign. Last evaluated: 2023-07-01. Review status: criteria provided, single submitter. Criteria: CeGaT Center For Human Genetics Tuebingen Variant Classification Criteria Version 2. Collection method: clinical testing. Allele origin: germline. Affected: yes. Observed: 1 variant allele.
Comment: PITX3: PM2:Supporting, BP4, BP7